The following is an entry in ClinVar:

ClinVar aggregate classification (germline): Conflicting classifications of pathogenicity. Review status: criteria provided, conflicting classifications (1 of 4 stars). 5 submissions from 5 submitters: Uncertain significance (2); Likely benign (3). Last evaluated 2026-06-01.

Conditions:
Autoimmune interstitial lung disease-arthritis syndrome. Also called: Autoinflammation and autoimmunity, systemic, with immune dysregulation. Identifiers: Orphanet 444092, MedGen C5975714, MONDO:0014629.

Allele frequency attached by ClinVar (database versions not stated): gnomAD 0.00019; TOPMed 0.00019; 1000 Genomes Project 0.00020; gnomAD exomes 0.00030; 1000 Genomes Project 30x 0.00031; ExAC 0.00039; ESP Exome Variant Server 0.00046.
gnomAD v4.1: 566 of 1,614,200 alleles (0.035%); highest among the groups gnomAD compares: Non-Finnish European, 0.044%; 1 homozygote.

Submissions (5):

Women's Health and Genetics/Laboratory Corporation of America, LabCorp
Classification: Likely benign. Last evaluated: 2026-06-01. Review status: criteria provided, single submitter. Criteria: LabCorp Variant Classification Summary - May 2015. Collection method: clinical testing. Allele origin: germline.
Comment: Variant summary: COPA c.2234G>A (p.Arg745His) results in a non-conservative amino acid change in the encoded protein sequence. Algorithms developed to predict the effect of missense changes on protein structure and function all suggest that this variant is likely to be disruptive. The variant allele was found at a frequency of 0.0003 in 251418 control chromosomes. The observed variant frequency exceeds the estimated maximal expected allele frequency for disease-causing variants in COPA. To our knowledge, no occurrence of c.2234G>A in individuals affected with COPA-related conditions and no experimental evidence demonstrating its impact on protein function have been reported. ClinVar contains an entry for this variant (Variation ID: 847780). Based on the evidence outlined above, the variant was classified as likely benign.

Labcorp Genetics (formerly Invitae), Labcorp
Classification: Likely benign for Autoimmune interstitial lung disease-arthritis syndrome. Last evaluated: 2026-01-11. Review status: criteria provided, single submitter. Criteria: Invitae Variant Classification Sherloc (09022015). Collection method: clinical testing. Allele origin: germline.

Blueprint Genetics
Classification: Likely benign. Last evaluated: 2024-10-25. Review status: criteria provided, single submitter. Criteria: ACMG Guidelines, 2015. Collection method: clinical testing. Allele origin: germline.

Baylor Genetics
Classification: Uncertain significance for Autoinflammation and autoimmunity with immune dysregulation 1. Last evaluated: 2018-08-24. Review status: criteria provided, single submitter. Criteria: ACMG Guidelines, 2015. Collection method: clinical testing. Allele origin: paternal. Affected: yes.
Comment: This variant was determined to be of uncertain significance according to ACMG Guidelines, 2015 [PMID:25741868].

Breakthrough Genomics
Classification: Uncertain significance. Review status: criteria provided, single submitter. Criteria: ACMG Guidelines, 2015. Collection method: not provided. Allele origin: germline. Inheritance: Autosomal dominant inheritance. Affected: yes.

NM_004371.4(COPA):c.2234G>A (p.Arg745His)

Gene: COPA (coat protein complex I subunit alpha; minus strand). Cytogenetic location: 1q23.2.
Variant type: single nucleotide variant.
Coding change: c.2234G>A on transcript NM_004371.4 (MANE Select); coding-DNA position 2234, G replaced by A.
Protein change: p.Arg745His; replaces arginine 745 with histidine.
Molecular consequence: missense variant.
Genome position (GRCh38, 1-based): chr1:160,297,372, C>T on the plus strand (G>A on the coding strand, the complement: COPA is on the minus strand). VCF-style: chr1-160297372-C-T. GRCh37 (hg19) VCF-style: chr1-160267162-C-T.
Other names: c.2261G>A, p.Arg754His (NM_001098398.2); short protein forms R745H, R754H.
Identifiers: ClinVar variation 847780 (VCV000847780.12), dbSNP rs138441444, ClinGen allele CA1197944.